The following is an entry in ClinVar:

NM_001271938.2(MEGF8):c.3931G>A (p.Glu1311Lys)

Gene: MEGF8 (multiple EGF like domains 8; plus strand). Cytogenetic location: 19q13.2.
Variant type: single nucleotide variant.
Coding change: c.3931G>A on transcript NM_001271938.2 (MANE Select); coding-DNA position 3931, G replaced by A.
Protein change: p.Glu1311Lys; replaces glutamic acid 1311 with lysine.
Molecular consequence: missense variant.
Genome position (GRCh38, 1-based): chr19:42,353,944, G>A. VCF-style: chr19-42353944-G-A. GRCh37 (hg19) VCF-style: chr19-42858096-G-A.
Other names: c.3730G>A, p.Glu1244Lys (NM_001410.3); short protein forms E1244K, E1311K.
Identifiers: ClinVar variation 2663240 (VCV002663240.1), dbSNP rs761406257, ClinGen allele CA406110983.

ClinVar aggregate classification (germline): Uncertain significance (1 of 4 stars; one submission).

Allele frequency attached by ClinVar (database versions not stated): TOPMed below 0.00001; gnomAD 0.00001.
gnomAD v4.1: 1 of 1,585,310 alleles (0.000063%); highest among the groups gnomAD compares: Non-Finnish European, 0.000086%; no homozygotes.

Submission:

GeneDx
Classification: Uncertain significance. Last evaluated: 2023-05-11. Review status: criteria provided, single submitter. Criteria: GeneDx Variant Classification Process June 2021. Collection method: clinical testing. Allele origin: germline. Affected: yes.
Comment: Not observed at significant frequency in large population cohorts (gnomAD); In silico analysis supports that this missense variant does not alter protein structure/function; Has not been previously published as pathogenic or benign to our knowledge